The following is an entry in ClinVar:

ClinVar aggregate classification (germline): Uncertain significance (1 of 4 stars; one submission).

Allele frequency attached by ClinVar (database versions not stated): gnomAD exomes below 0.00001.

Submission:

Labcorp Genetics (formerly Invitae), Labcorp
Classification: Uncertain significance. Last evaluated: 2023-08-17. Review status: criteria provided, single submitter. Criteria: Invitae Variant Classification Sherloc (09022015). Collection method: clinical testing. Allele origin: germline.
Comment: This sequence change replaces glutamine, which is neutral and polar, with histidine, which is basic and polar, at codon 491 of the SLC18A3 protein (p.Gln491His). This variant is not present in population databases (gnomAD no frequency). This variant has not been reported in the literature in individuals affected with SLC18A3-related conditions. ClinVar contains an entry for this variant (Variation ID: 2100579). An algorithm developed to predict the effect of missense changes on protein structure and function (PolyPhen-2) suggests that this variant is likely to be tolerated. In summary, the available evidence is currently insufficient to determine the role of this variant in disease. Therefore, it has been classified as a Variant of Uncertain Significance.

NM_003055.3(SLC18A3):c.1473A>C (p.Gln491His)

Genes: CHAT (choline O-acetyltransferase; plus strand), SLC18A3 (solute carrier family 18 member A3; plus strand). Cytogenetic location: 10q11.23.
Variant type: single nucleotide variant.
Coding change: c.1473A>C on transcript NM_003055.3 (MANE Select); coding-DNA position 1473, A replaced by C.
Protein change: p.Gln491His; replaces glutamine 491 with histidine.
Molecular consequence: missense variant. On other transcripts: intron variant (1).
Genome position (GRCh38, 1-based): chr10:49,612,213, A>C. VCF-style: chr10-49612213-A-C. GRCh37 (hg19) VCF-style: chr10-50820259-A-C.
Other names: c.-69+3014A>C (NM_020984.4); short protein forms Q491H.
Identifiers: ClinVar variation 2100579 (VCV002100579.4), dbSNP rs2496275894, ClinGen allele CA376723677.